The following is an entry in ClinVar:

ClinVar aggregate classification (germline): Uncertain significance (1 of 4 stars; one submission).

Conditions:
Catecholaminergic polymorphic ventricular tachycardia (CVPT). Also called: Catecholamine-induced polymorphic ventricular tachycardia. Identifiers: Orphanet 3286, MedGen C5574922, MONDO:0017990.

Submission:

All of Us Research Program, National Institutes of Health
Classification: Uncertain significance for Catecholaminergic polymorphic ventricular tachycardia. Last evaluated: 2023-08-15. Review status: criteria provided, single submitter. Criteria: ACMG Guidelines, 2015. Collection method: clinical testing. Allele origin: germline. Inheritance: Autosomal dominant inheritance. Observed: 1 variant allele, 1 heterozygote.
Comment: This study involves interpretation of variants in research participants for the purpose of population health screening. Participant phenotype was not available at the time of variant classification. Additional details can be found in publication PMID: 35346344, PMCID: PMC8962531

NM_001035.3(RYR2):c.13126C>A (p.Leu4376Ile)

Genes: RYR2 (ryanodine receptor 2; plus strand), LOC126806068 (BRD4-independent group 4 enhancer GRCh37_chr1:237947411-237948610; plus strand). Cytogenetic location: 1q43.
Variant type: single nucleotide variant.
Coding change: c.13126C>A on transcript NM_001035.3 (MANE Select); coding-DNA position 13126, C replaced by A.
Protein change: p.Leu4376Ile; replaces leucine 4376 with isoleucine.
Molecular consequence: missense variant.
Genome position (GRCh38, 1-based): chr1:237,784,838, C>A. VCF-style: chr1-237784838-C-A. GRCh37 (hg19) VCF-style: chr1-237948138-C-A.
Other names: short protein forms L4376I.
Identifiers: ClinVar variation 3072523 (VCV003072523.1), dbSNP rs2527799841, ClinGen allele CA345415391.